The following is an entry in ClinVar:

NM_004006.3(DMD):c.2834A>G (p.Gln945Arg)

Gene: DMD (dystrophin; minus strand). Cytogenetic location: Xp21.1.
Variant type: single nucleotide variant.
Coding change: c.2834A>G on transcript NM_004006.3 (MANE Select); coding-DNA position 2834, A replaced by G.
Protein change: p.Gln945Arg; replaces glutamine 945 with arginine.
Molecular consequence: missense variant.
Genome position (GRCh38, 1-based): chrX:32,472,279, T>C on the plus strand (A>G on the coding strand, the complement: DMD is on the minus strand). VCF-style: chrX-32472279-T-C. GRCh37 (hg19) VCF-style: chrX-32490396-T-C.
Other names: c.2810A>G, p.Gln937Arg (NM_000109.4); c.2822A>G, p.Gln941Arg (NM_004009.3); c.2465A>G, p.Gln822Arg (NM_004010.3); short protein forms Q822R, Q937R, Q941R, Q945R.
Identifiers: ClinVar variation 1026634 (VCV001026634.11), dbSNP rs2040732218, ClinGen allele CA412668225.

ClinVar aggregate classification (germline): Uncertain significance. Review status: criteria provided, multiple submitters, no conflicts (2 of 4 stars). 3 submissions from 3 submitters: Uncertain significance (2). 1 of the submissions does not count toward it. Last evaluated 2024-01-22.

Conditions:
Cardiomyopathy (CMYO). Also called: Cardiomyopathies. Identifiers: Orphanet 167848, MedGen C0878544, MONDO:0004994, HP:0001638. Inheritance: Various modes of inheritance.
Dystrophin deficiency.
Duchenne muscular dystrophy (DMD). Also called: MUSCULAR DYSTROPHY, PSEUDOHYPERTROPHIC PROGRESSIVE, DUCHENNE TYPE; Duchenne Muscular Dystrophy (DMD). Identifiers: Orphanet 98896, MedGen C0013264, MONDO:0010679, OMIM 310200.
Becker muscular dystrophy (BMD). Also called: Becker Muscular Dystrophy (BMD); MUSCULAR DYSTROPHY, PSEUDOHYPERTROPHIC PROGRESSIVE, BECKER TYPE. Identifiers: Orphanet 98895, MedGen C0917713, MONDO:0010311, OMIM 300376.

Allele frequency attached by ClinVar (database versions not stated): gnomAD exomes below 0.00001; TOPMed 0.00001.
gnomAD v4.1: 2 of 1,211,147 alleles (0.00017%); highest among the groups gnomAD compares: Non-Finnish European, 0.00022%; no homozygotes.

Submissions (3):

Labcorp Genetics (formerly Invitae), Labcorp
Classification: Uncertain significance for Duchenne muscular dystrophy. Last evaluated: 2024-01-22. Review status: criteria provided, single submitter. Criteria: Invitae Variant Classification Sherloc (09022015). Collection method: clinical testing. Allele origin: germline.
Comment: This sequence change replaces glutamine, which is neutral and polar, with arginine, which is basic and polar, at codon 945 of the DMD protein (p.Gln945Arg). This variant is not present in population databases (gnomAD no frequency). This variant has not been reported in the literature in individuals affected with DMD-related conditions. ClinVar contains an entry for this variant (Variation ID: 1026634). Advanced modeling of protein sequence and biophysical properties (such as structural, functional, and spatial information, amino acid conservation, physicochemical variation, residue mobility, and thermodynamic stability) performed at Invitae indicates that this missense variant is not expected to disrupt DMD protein function with a negative predictive value of 95%. In summary, the available evidence is currently insufficient to determine the role of this variant in disease. Therefore, it has been classified as a Variant of Uncertain Significance.

Mendelics
Classification: Uncertain significance. Last evaluated: 2022-05-04. Review status: criteria provided, single submitter. Criteria: Mendelics Assertion Criteria 2019. Collection method: clinical testing. Allele origin: germline.

Natera, Inc.
Classification: Uncertain significance for Becker muscular dystrophy; Cardiomyopathy; Duchenne muscular dystrophy; Dystrophin deficiency. Last evaluated: 2021-09-08. Review status: no assertion criteria provided. Collection method: clinical testing. Allele origin: germline. Not counted in ClinVar's aggregate classification.